The following is an entry in ClinVar:

ClinVar aggregate classification (germline): Likely benign (1 of 4 stars; one submission).

Allele frequency attached by ClinVar (database versions not stated): TOPMed 0.00001; gnomAD 0.00003; gnomAD exomes 0.00007; ExAC 0.00014; 1000 Genomes Project 30x 0.00016; 1000 Genomes Project 0.00020.

Submission:

CeGaT Center for Human Genetics Tuebingen
Classification: Likely benign. Last evaluated: 2022-08-01. Review status: criteria provided, single submitter. Criteria: CeGaT Center For Human Genetics Tuebingen Variant Classification Criteria Version 2. Collection method: clinical testing. Allele origin: germline. Affected: yes. Observed: 1 variant allele.
Comment: MUC16: BP4

NM_001401501.2(MUC16):c.24037T>C (p.Ser8013Pro)

Gene: MUC16 (mucin 16, cell surface associated; minus strand). Cytogenetic location: 19p13.2.
Variant type: single nucleotide variant.
Coding change: c.24037T>C on transcript NM_001401501.2 (MANE Select); coding-DNA position 24037, T replaced by C.
Protein change: p.Ser8013Pro; replaces serine 8013 with proline.
Molecular consequence: missense variant.
Genome position (GRCh38, 1-based): chr19:8,952,853, A>G on the plus strand (T>C on the coding strand, the complement: MUC16 is on the minus strand). VCF-style: chr19-8952853-A-G. GRCh37 (hg19) VCF-style: chr19-9063529-A-G.
Other names: c.23917T>C, p.Ser7973Pro (NM_024690.2, NM_001414687.1); c.24463T>C, p.Ser8155Pro (NM_001414686.1); short protein forms S7973P, S8013P, S8155P.
Identifiers: ClinVar variation 2649243 (VCV002649243.24), dbSNP rs563795376, ClinGen allele CA9168501.